The following is an entry in ClinVar:

NM_000275.3(OCA2):c.1349C>T (p.Thr450Met)

Gene: OCA2 (OCA2 melanosomal transmembrane protein; minus strand). Cytogenetic location: 15q13.1.
Variant type: single nucleotide variant.
Coding change: c.1349C>T on transcript NM_000275.3 (MANE Select); coding-DNA position 1349, C replaced by T.
Protein change: p.Thr450Met; replaces threonine 450 with methionine.
Molecular consequence: missense variant.
Genome position (GRCh38, 1-based): chr15:27,985,079, G>A on the plus strand (C>T on the coding strand, the complement: OCA2 is on the minus strand). VCF-style: chr15-27985079-G-A. GRCh37 (hg19) VCF-style: chr15-28230225-G-A.
Other names: c.1277C>T, p.Thr426Met (NM_001300984.2); short protein forms T426M, T450M.
Identifiers: ClinVar variation 1211398 (VCV001211398.54), dbSNP rs772019064, ClinGen allele CA7439078.
Genomic context (GRCh38, chr15:27,985,079, plus strand): 5'-GCCAGAACCTGGCCGCAACTCCCACGGCAGAGGTGCTTTGCGTACCTTATGGTCACAGGC[G>A]TGAAGAGGAGCATGGTGGTGACGTTGTCCAAGAAGGCAGAGAGGACGGCCGCGATGAGAC-3'
Protein context (NP_000266.2, residues 440-460): LDNVTTMLLF[Thr450Met]PVTIRLCEVL

ClinVar aggregate classification (germline): Pathogenic/Likely pathogenic. Review status: criteria provided, multiple submitters, no conflicts (2 of 4 stars). 13 submissions from 13 submitters: Pathogenic (11); Likely pathogenic (2). Last evaluated 2026-10-16.

Conditions:
Pigmentary skin disorders.
Tyrosinase-positive oculocutaneous albinism (OCA2). Also called: Albinism, oculocutaneous, type II; ALBINISM II; Oculocutaneous albinism type 2. Identifiers: Orphanet 79432, MedGen C0268495, MONDO:0008746, OMIM 203200.
SKIN/HAIR/EYE PIGMENTATION 1, BLUE/NONBLUE EYES (SHEP1). Also called: HAIR COLOR 3; SKIN/HAIR/EYE PIGMENTATION 1, BLOND/BROWN HAIR; SKIN/HAIR/EYE PIGMENTATION 1, BLUE/BROWN EYES; BROWN EYE COLOR 2; EYE COLOR 3; EYE COLOR, BLUE/NONBLUE. Identifiers: MedGen C1856895, OMIM 227220.
OCA2-related disorder. Also called: OCA2-related condition.

Allele frequency attached by ClinVar (database versions not stated): ExAC 0.00002; gnomAD exomes 0.00002; gnomAD 0.00003; TOPMed 0.00007.
gnomAD v4.1: 20 of 1,613,808 alleles (0.0012%); highest among the groups gnomAD compares: African/African-American, 0.012%; no homozygotes.

Submissions (13):

GeneDx
Classification: Pathogenic. Last evaluated: 2026-10-16. Review status: criteria provided, single submitter. Criteria: GeneDx Variant Classification Process June 2021. Collection method: clinical testing. Allele origin: germline.
Comment: In silico analysis supports that this missense variant has a deleterious effect on protein structure/function; This variant is associated with the following publications: (PMID: 18683130, 26165494, 28976636, 31077556, 21458243, 39380106, 35488210, 31196117, 34838614, 18821858, 29437493, 37471664, 31813138, 37650133, 39843441, 38720644, 41905947, 42195040)

Genetics Laboratory, Great Ormond Street Hospital NHS Foundation Trust, North Thames Genomic Laboratory Hub
Classification: Pathogenic for Pigmentary skin disorders. Last evaluated: 2026-08-12. Review status: criteria provided, single submitter. Criteria: ACGS Best Practice Guidelines for Variant Classification in Rare Disease 2024 v1.2. Collection method: clinical testing. Allele origin: germline. Affected: yes.
Comment: PM2_moderate, PP3_supporting, PM3_very-strong

Labcorp Genetics (formerly Invitae), Labcorp
Classification: Pathogenic. Last evaluated: 2026-01-31. Review status: criteria provided, single submitter. Criteria: Invitae Variant Classification Sherloc (09022015). Collection method: clinical testing. Allele origin: germline.
Comment: This sequence change replaces threonine, which is neutral and polar, with methionine, which is neutral and non-polar, at codon 450 of the OCA2 protein (p.Thr450Met). The frequency data for this variant in the population databases is considered unreliable, as metrics indicate poor data quality at this position in the gnomAD database. This missense change has been observed in individual(s) with oculocutaneous albinism (PMID: 26165494, 28976636, 31077556, 31813138). In at least one individual the data is consistent with being in trans (on the opposite chromosome) from a pathogenic variant. ClinVar contains an entry for this variant (Variation ID: 1211398). Invitae Evidence Modeling of protein sequence and biophysical properties (such as structural, functional, and spatial information, amino acid conservation, physicochemical variation, residue mobility, and thermodynamic stability) indicates that this missense variant is expected to disrupt OCA2 protein function with a positive predictive value of 80%. For these reasons, this variant has been classified as Pathogenic.

First Genomix Gene Laboratory, Genetic Diagnostics Department
Classification: Pathogenic for Tyrosinase-positive oculocutaneous albinism. Last evaluated: 2025-06-02. Review status: criteria provided, single submitter. Criteria: ACMG Guidelines, 2015. Collection method: clinical testing. Allele origin: germline. Inheritance: Autosomal recessive inheritance. Affected: no. Observed: 1 variant allele.

PreventionGenetics, part of Exact Sciences
Classification: Pathogenic for OCA2-related condition. Last evaluated: 2024-12-12. Review status: criteria provided, single submitter. Criteria: ACMG Guidelines, 2015. Collection method: clinical testing. Allele origin: germline.
Comment: The OCA2 c.1349C>T variant is predicted to result in the amino acid substitution p.Thr450Met. This variant has been reported along with a second OCA2 variant in individuals with oculocutaneous albinism (see for example, Rooryck et al. 2008. PubMed ID: 18821858; Marti et al. 2017. PubMed ID: 28976636; Zhong et al. 2019. PubMed ID: 31077556). This variant was also described in two large cohorts of individuals affected with oculocutaneous albinism (Ma et al. 2021. PubMed ID: 34707637; Xiao et al. 2022. PubMed ID: 35488210). Additionally, alternate substitutions of this amino acid residue (p.Thr450Lys and p.Thr450Arg) have been reported in individuals with oculocutaneous albinism (Wei et al. 2010. PubMed ID: 19865097; Qiu et al. 2018. PubMed ID: 29437493). The c.1349C>T (p.Thr450Met) variant is present in 0.012% of alleles in individuals of African descent in gnomAD. Given the evidence, we interpret this variant as pathogenic.

Genomic Medicine Center of Excellence, King Faisal Specialist Hospital and Research Centre
Classification: Pathogenic for Tyrosinase-positive oculocutaneous albinism. Last evaluated: 2024-10-07. Review status: criteria provided, single submitter. Criteria: ACMG Guidelines, 2015. Collection method: clinical testing. Allele origin: germline.

Fulgent Genetics
Classification: Pathogenic for Tyrosinase-positive oculocutaneous albinism; SKIN/HAIR/EYE PIGMENTATION 1, BLUE/NONBLUE EYES. Last evaluated: 2024-05-01. Review status: criteria provided, single submitter. Criteria: ACMG Guidelines, 2015. Collection method: clinical testing. Allele origin: germline.

Baylor Genetics
Classification: Pathogenic for SKIN/HAIR/EYE PIGMENTATION 1, BLUE/NONBLUE EYES. Last evaluated: 2024-03-06. Review status: criteria provided, single submitter. Criteria: ACMG Guidelines, 2015. Collection method: clinical testing. Allele origin: unknown.

CeGaT Center for Human Genetics Tuebingen
Classification: Pathogenic. Last evaluated: 2022-10-01. Review status: criteria provided, single submitter. Criteria: CeGaT Center For Human Genetics Tuebingen Variant Classification Criteria Version 2. Collection method: clinical testing. Allele origin: germline. Affected: yes. Observed: 1 variant allele.
Comment: OCA2: PM3:Very Strong, PM2, PM5, PP3

3billion
Classification: Likely pathogenic for Tyrosinase-positive oculocutaneous albinism. Last evaluated: 2022-01-03. Review status: criteria provided, single submitter. Criteria: ACMG Guidelines, 2015. Collection method: clinical testing. Allele origin: germline. Affected: yes. Observed: 1 heterozygote.
Comment: Same nucleotide change resulting in same amino acid change has been previously reported to be associated with OCA2 related disorder (ClinVar ID: VCV001211398, PMID:18821858, PS1_P). A different missense change at the same codon has been reported to be associated with OCA2 related disorder (PMID:29437493,19865097, PM5_P). In silico tool predictions suggest damaging effect of the variant on gene or gene product (REVEL: 0.953, PP3_P). A missense variant is a common mechanism associated with Albinism (PP2_P). It is observed at an extremely low frequency in the gnomAD v2.1.1 dataset (total allele frequency: 0.000018, PM2_M). Therefore, this variant is classified as likely pathogenic according to the recommendation of ACMG/AMP guideline.

Blueprint Genetics
Classification: Pathogenic for OCA2-related disorders. Last evaluated: 2021-09-17. Review status: criteria provided, single submitter. Criteria: ACMG Guidelines, 2015. Collection method: clinical testing. Allele origin: germline. Affected: yes. Observed: 3 variant alleles.

Juno Genomics, Hangzhou Juno Genomics, Inc
Classification: Pathogenic for SKIN/HAIR/EYE PIGMENTATION 1, BLUE/NONBLUE EYES; Tyrosinase-positive oculocutaneous albinism. Review status: criteria provided, single submitter. Criteria: ACMG Guidelines, 2015. Collection method: clinical testing. Allele origin: germline. Affected: yes.
Comment: Absent from controls (or at extremely low frequency if recessive) in Genome Aggregation Database.;Multiple lines of computational evidence support a deleterious effect on the gene or gene product.;For recessive disorders, detected in trans with a pathogenic variant.

Laboratoire de Génétique Moléculaire, CHU Bordeaux
Classification: Likely pathogenic for Tyrosinase-positive oculocutaneous albinism. Review status: criteria provided, single submitter. Criteria: ACMG Guidelines, 2015. Collection method: clinical testing. Allele origin: germline. Affected: yes.

Literature cited by the submitters: PubMed 26165494 (cited by Labcorp Genetics (formerly Invitae), Labcorp); PubMed 28976636 (cited by Labcorp Genetics (formerly Invitae), Labcorp); PubMed 31077556 (cited by Labcorp Genetics (formerly Invitae), Labcorp); PubMed 31813138 (cited by Labcorp Genetics (formerly Invitae), Labcorp); PubMed 29437493 (cited by 3billion); PubMed 18821858 (cited by 3billion).